The following is an entry in ClinVar:

NM_004525.3(LRP2):c.12394C>T (p.Gln4132Ter)

Gene: LRP2 (LDL receptor related protein 2; minus strand). Cytogenetic location: 2q31.1.
Variant type: single nucleotide variant.
Coding change: c.12394C>T on transcript NM_004525.3 (MANE Select); coding-DNA position 12394, C replaced by T.
Protein change: p.Gln4132Ter; replaces glutamine 4132 with a stop codon.
Molecular consequence: nonsense.
Genome position (GRCh38, 1-based): chr2:169,152,866, G>A on the plus strand (C>T on the coding strand, the complement: LRP2 is on the minus strand). VCF-style: chr2-169152866-G-A. GRCh37 (hg19) VCF-style: chr2-170009376-G-A.
Other names: short protein forms Q4132*.
Identifiers: ClinVar variation 4879861 (VCV004879861.1).

ClinVar aggregate classification (germline): Likely pathogenic (1 of 4 stars; one submission).

Conditions:
Donnai-Barrow syndrome. Also called: DBS/FOAR SYNDROME; FACIOOCULOACOUSTICORENAL SYNDROME. Identifiers: Orphanet 2143, MedGen C1857277, MONDO:0009104, OMIM 222448.

gnomAD v4.1: 1 of 1,613,960 alleles (0.000062%); highest among the groups gnomAD compares: Non-Finnish European, 0.000085%; no homozygotes.

Submission:

MVZ Medizinische Genetik Mainz
Classification: Likely pathogenic for Donnai-Barrow syndrome. Last evaluated: 2026-07-06. Review status: criteria provided, single submitter. Criteria: UK Practice Guidelines For Variant Classification V4 01 2020. Collection method: clinical testing. Allele origin: germline. Inheritance: Autosomal recessive inheritance. Affected: yes. Observed: 1 variant allele.
Comment: ACMG Criteria: PVS1,PM2_SUP